The following is an entry in ClinVar:

ClinVar aggregate classification (germline): Conflicting classifications of pathogenicity. Review status: criteria provided, conflicting classifications (1 of 4 stars). 3 submissions from 3 submitters: Uncertain significance (1); Likely benign (1). 1 of the submissions does not count toward it. Last evaluated 2025-07-15.

Conditions:
SIL1-related disorder. Also called: SIL1-related condition.
Marinesco-Sjögren syndrome (MSS). Also called: Marinesco-SjÃ¶gren syndrome; Marinesco-Sjogren Syndrome. Identifiers: Orphanet 559, MedGen C0024814, MONDO:0009567, OMIM 248800.

Allele frequency attached by ClinVar (database versions not stated): ExAC 0.00001; gnomAD 0.00001; TOPMed 0.00005.
gnomAD v4.1: 61 of 1,614,018 alleles (0.0038%); highest among the groups gnomAD compares: South Asian, 0.0044%; no homozygotes.

Submissions (3):

Labcorp Genetics (formerly Invitae), Labcorp
Classification: Likely benign for Marinesco-Sjögren syndrome. Last evaluated: 2025-07-15. Review status: criteria provided, single submitter. Criteria: Invitae Variant Classification Sherloc (09022015). Collection method: clinical testing. Allele origin: germline.

Baylor Genetics
Classification: Uncertain significance for Marinesco-Sjögren syndrome. Last evaluated: 2018-07-31. Review status: criteria provided, single submitter. Criteria: ACMG Guidelines, 2015. Collection method: clinical testing. Allele origin: maternal. Affected: yes.
Comment: This variant was determined to be of uncertain significance according to ACMG Guidelines, 2015 [PMID:25741868].

PreventionGenetics, part of Exact Sciences
Classification: Likely benign for SIL1-related condition. Last evaluated: 2021-10-21. Review status: no assertion criteria provided. Collection method: clinical testing. Allele origin: germline. Not counted in ClinVar's aggregate classification.
Comment: This variant is classified as likely benign based on ACMG/AMP sequence variant interpretation guidelines (Richards et al. 2015 PMID: 25741868, with internal and published modifications).

NM_022464.5(SIL1):c.741G>A (p.Ala247=)

Gene: SIL1 (SIL1 nucleotide exchange factor; minus strand). Cytogenetic location: 5q31.2.
Variant type: single nucleotide variant.
Coding change: c.741G>A on transcript NM_022464.5 (MANE Select); coding-DNA position 741, G replaced by A.
Protein change: p.Ala247=; no amino-acid change (alanine 247 retained).
Molecular consequence: synonymous variant.
Genome position (GRCh38, 1-based): chr5:139,021,197, C>T on the plus strand (G>A on the coding strand, the complement: SIL1 is on the minus strand). VCF-style: chr5-139021197-C-T. GRCh37 (hg19) VCF-style: chr5-138356886-C-T.
Other names: c.741G>A, p.Ala247= (NM_001037633.2).
Identifiers: ClinVar variation 770060 (VCV000770060.11), dbSNP rs773520401, ClinGen allele CA3432502.